The following is an entry in ClinVar:

ClinVar aggregate classification (germline): Pathogenic (1 of 4 stars; one submission).

Conditions:
Bardet-Biedl syndrome (BBS). Identifiers: Orphanet 110, MedGen C0752166, MONDO:0015229.

Submission:

Labcorp Genetics (formerly Invitae), Labcorp
Classification: Pathogenic for Bardet-Biedl syndrome. Last evaluated: 2023-03-03. Review status: criteria provided, single submitter. Criteria: Invitae Variant Classification Sherloc (09022015). Collection method: clinical testing. Allele origin: germline.
Comment: This sequence change affects an acceptor splice site in intron 3 of the BBS4 gene. It is expected to disrupt RNA splicing. Variants that disrupt the donor or acceptor splice site typically lead to a loss of protein function (PMID: 16199547), and loss-of-function variants in BBS4 are known to be pathogenic (PMID: 11381270, 12016587, 20177705, 27894351). This variant is not present in population databases (gnomAD no frequency). Disruption of this splice site has been observed in individuals with autosomal recessive Bardet-Biedl syndrome (PMID: 12016587, 19858128). It has also been observed to segregate with disease in related individuals. Algorithms developed to predict the effect of sequence changes on RNA splicing suggest that this variant may disrupt the consensus splice site. For these reasons, this variant has been classified as Pathogenic.

Literature cited by the submitters: PubMed 16199547; PubMed 11381270; PubMed 12016587; PubMed 20177705; PubMed 27894351; PubMed 19858128.

NM_033028.5(BBS4):c.157-1G>T

Gene: BBS4 (Bardet-Biedl syndrome 4; plus strand). Cytogenetic location: 15q24.1.
Variant type: single nucleotide variant.
Coding change: c.157-1G>T on transcript NM_033028.5 (MANE Select); the canonical splice acceptor site of the intron before coding-DNA position 157, G replaced by T.
Molecular consequence: splice acceptor variant.
Genome position (GRCh38, 1-based): chr15:72,712,243, G>T. VCF-style: chr15-72712243-G-T. GRCh37 (hg19) VCF-style: chr15-73004584-G-T.
Other names: c.157-1G>T (NM_001320665.2); c.-365-1G>T (NM_001252678.2).
Identifiers: ClinVar variation 2842391 (VCV002842391.3), dbSNP rs2542940265, ClinGen allele CA393075967.
Genomic context (GRCh38, chr15:72,712,243, plus strand): 5'-TTCTTAAAGACACCTGAAGAAACTTAACCACTGCTCAGAAGCATTTTTCTCCCTCTTTCA[G>T]GCTGTTATCAAAGAACAGCTTCAAGAGACTCAGGGATTGTGTGAATATGCTATCTATGTC-3'